The following is an entry in ClinVar:

ClinVar aggregate classification (germline): Likely benign. Review status: criteria provided, multiple submitters, no conflicts (2 of 4 stars). 4 submissions from 4 submitters: Likely benign (4). Last evaluated 2026-01-15.

Conditions:
PDE6B-related disorder. Also called: PDE6B-related disease; PDE6B-related condition; PDE6B-related disorders.
Retinal dystrophy. Also called: Inherited retinal dystrophy. Identifiers: Orphanet 71862, MedGen C0854723, MeSH D058499, MONDO:0019118, HP:0000556.

Allele frequency attached by ClinVar (database versions not stated): ExAC 0.00006; gnomAD exomes 0.00008 and 0.00017; TOPMed 0.00027; 1000 Genomes Project 0.00040; gnomAD 0.00041 and 0.00042; 1000 Genomes Project 30x 0.00078.
gnomAD v4.1: 169 of 1,604,708 alleles (0.011%); highest among the groups gnomAD compares: Admixed American, 0.19%; 1 homozygote.

Submissions (4):

Labcorp Genetics (formerly Invitae), Labcorp
Classification: Likely benign. Last evaluated: 2026-01-15. Review status: criteria provided, single submitter. Criteria: Invitae Variant Classification Sherloc (09022015). Collection method: clinical testing. Allele origin: germline.

PreventionGenetics, part of Exact Sciences
Classification: Likely benign for PDE6B-related condition. Last evaluated: 2025-11-22. Review status: criteria provided, single submitter. Criteria: ACMG Guidelines, 2015. Collection method: clinical testing. Allele origin: germline.
Comment: This variant is classified as likely benign based on ACMG/AMP sequence variant interpretation guidelines (Richards et al. 2015 PMID: 25741868, with internal and published modifications).

Dept Of Ophthalmology, Nagoya University
Classification: Likely benign for Retinal dystrophy. Last evaluated: 2023-10-01. Review status: criteria provided, single submitter. Criteria: Submitter's publication. Collection method: research. Allele origin: germline. Affected: yes.

Blueprint Genetics
Classification: Likely benign. Last evaluated: 2021-10-07. Review status: criteria provided, single submitter. Criteria: ACMG Guidelines, 2015. Collection method: clinical testing. Allele origin: germline.

NM_000283.4(PDE6B):c.651G>A (p.Thr217=)

Gene: PDE6B (phosphodiesterase 6B; plus strand). Cytogenetic location: 4p16.3.
Variant type: single nucleotide variant.
Coding change: c.651G>A on transcript NM_000283.4 (MANE Select); coding-DNA position 651, G replaced by A.
Protein change: p.Thr217=; no amino-acid change (threonine 217 retained).
Molecular consequence: synonymous variant.
Genome position (GRCh38, 1-based): chr4:635,909, G>A. VCF-style: chr4-635909-G-A. GRCh37 (hg19) VCF-style: chr4-629698-G-A.
Other names: c.651G>A, p.Thr217= (NM_001145291.2); c.651G>A (NM_000283.3).
Identifiers: ClinVar variation 1114600 (VCV001114600.12), dbSNP rs200664252, ClinGen allele CA2794049.